The following is an entry in ClinVar:

NM_000038.6(APC):c.4755A>G (p.Thr1585=)

Gene: APC (APC regulator of Wnt signaling pathway; plus strand). Cytogenetic location: 5q22.2.
Variant type: single nucleotide variant.
Coding change: c.4755A>G on transcript NM_000038.6 (MANE Select); coding-DNA position 4755, A replaced by G.
Protein change: p.Thr1585=; no amino-acid change (threonine 1585 retained).
Molecular consequence: synonymous variant.
Genome position (GRCh38, 1-based): chr5:112,840,349, A>G. VCF-style: chr5-112840349-A-G. GRCh37 (hg19) VCF-style: chr5-112176046-A-G.
Other names: c.4755A>G, p.Thr1585= (NM_001127510.3, NM_001354895.2); c.4701A>G, p.Thr1567= (NM_001127511.3); c.4809A>G, p.Thr1603= (NM_001354896.2); c.4785A>G, p.Thr1595= (NM_001354897.2); c.4680A>G, p.Thr1560= (NM_001354898.2); c.4671A>G, p.Thr1557= (NM_001354899.2); c.4632A>G, p.Thr1544= (NM_001354900.2); c.4578A>G, p.Thr1526= (NM_001354901.2); and 5 more.
Identifiers: ClinVar variation 1343445 (VCV001343445.9), dbSNP rs2149922960, ClinGen allele CA446206716.
Genomic context (GRCh38, chr5:112,840,349, plus strand): 5'-TGATTCAGATGATGATGATATTGAAATACTAGAAGAATGTATTATTTCTGCCATGCCAAC[A>G]AAGTCATCACGTAAAGCAAAAAAGCCAGCCCAGACTGCTTCAAAATTACCTCCACCTGTG-3'
Protein context (NP_000029.2, residues 1575-1595): LEECIISAMP[Thr1585=]KSSRKAKKPA

ClinVar aggregate classification (germline): Benign/Likely benign. Review status: criteria provided, multiple submitters, no conflicts (2 of 4 stars). 6 submissions from 6 submitters: Benign (1); Likely benign (5). Last evaluated 2025-10-15.

Conditions:
Classic or attenuated familial adenomatous polyposis. Identifiers: MedGen CN372698, MONDO:0021057.
Hereditary cancer-predisposing syndrome. Also called: Neoplastic Syndromes, Hereditary; Tumor predisposition; Hereditary Cancer Syndrome; Hereditary neoplastic syndrome. Identifiers: Orphanet 140162, MedGen C0027672, MeSH D009386, MONDO:0015356.
Familial adenomatous polyposis 1 (FAP1). Also called: POLYPOSIS, ADENOMATOUS INTESTINAL; FAMILIAL ADENOMATOUS POLYPOSIS 1, ATTENUATED. Identifiers: MedGen C2713442, MONDO:0021056, OMIM 175100. Disease mechanism: loss of function.

gnomAD v4.1: 1 of 1,614,228 alleles (0.000062%); highest among the groups gnomAD compares: South Asian, 0.0011%; no homozygotes.

Submissions (6):

Labcorp Genetics (formerly Invitae), Labcorp
Classification: Likely benign for Familial adenomatous polyposis 1. Last evaluated: 2025-10-15. Review status: criteria provided, single submitter. Criteria: Invitae Variant Classification Sherloc (09022015). Collection method: clinical testing. Allele origin: germline.

Ambry Genetics
Classification: Likely benign for Hereditary cancer-predisposing syndrome. Last evaluated: 2025-02-15. Review status: criteria provided, single submitter. Criteria: Ambry Variant Classification Scheme 2023. Collection method: clinical testing. Allele origin: germline.

Myriad Genetics, Inc.
Classification: Benign for Familial adenomatous polyposis 1. Last evaluated: 2024-03-27. Review status: criteria provided, single submitter. Criteria: Myriad Autosomal Dominant, Autosomal Recessive and X-Linked Classification Criteria (2023). Collection method: clinical testing. Allele origin: unknown.
Comment: This variant is considered benign. This variant is a silent/synonymous amino acid change and it is not expected to impact splicing.

All of Us Research Program, National Institutes of Health
Classification: Likely benign for Classic or attenuated familial adenomatous polyposis. Last evaluated: 2023-03-23. Review status: criteria provided, single submitter. Criteria: ACMG Guidelines, 2015. Collection method: clinical testing. Allele origin: germline. Inheritance: Autosomal dominant inheritance. Observed: 1 variant allele, 1 heterozygote.
Comment: This study involves interpretation of variants in research participants for the purpose of population health screening. Participant phenotype was not available at the time of variant classification. Additional details can be found in publication PMID: 35346344, PMCID: PMC8962531

Color Diagnostics, LLC DBA Color Health
Classification: Likely benign for Hereditary cancer-predisposing syndrome. Last evaluated: 2022-04-05. Review status: criteria provided, single submitter. Criteria: ACMG Guidelines, 2015. Collection method: clinical testing. Allele origin: germline.

Women's Health and Genetics/Laboratory Corporation of America, LabCorp
Classification: Likely benign. Last evaluated: 2022-02-05. Review status: criteria provided, single submitter. Criteria: LabCorp Variant Classification Summary - May 2015. Collection method: clinical testing. Allele origin: germline.